The following is an entry in ClinVar:

ClinVar aggregate classification (germline): Uncertain significance. Review status: criteria provided, multiple submitters, no conflicts (2 of 4 stars). 2 submissions from 2 submitters: Uncertain significance (2). Last evaluated 2025-05-17.

Conditions:
Cardiomyopathy (CMYO). Also called: Cardiomyopathies. Identifiers: Orphanet 167848, MedGen C0878544, MONDO:0004994, HP:0001638. Inheritance: Various modes of inheritance.
Arrhythmogenic right ventricular dysplasia 9 (ARVD9). Also called: Arrhythmogenic Right Ventricular Dysplasia/Cardiomyopathy 9; ARRHYTHMOGENIC RIGHT VENTRICULAR DYSPLASIA, FAMILIAL, 9. Identifiers: MedGen C1836906, MONDO:0012180, OMIM 609040.

Allele frequency attached by ClinVar (database versions not stated): TOPMed below 0.00001; ExAC 0.00001; gnomAD exomes 0.00001.

Submissions (2):

Labcorp Genetics (formerly Invitae), Labcorp
Classification: Uncertain significance for Arrhythmogenic right ventricular dysplasia 9. Last evaluated: 2025-05-17. Review status: criteria provided, single submitter. Criteria: Invitae Variant Classification Sherloc (09022015). Collection method: clinical testing. Allele origin: germline.
Comment: This sequence change replaces serine, which is neutral and polar, with threonine, which is neutral and polar, at codon 567 of the PKP2 protein (p.Ser567Thr). This variant is present in population databases (rs753678882, gnomAD 0.003%). This variant has not been reported in the literature in individuals affected with PKP2-related conditions. ClinVar contains an entry for this variant (Variation ID: 1171233). An algorithm developed to predict the effect of missense changes on protein structure and function (PolyPhen-2) suggests that this variant is likely to be disruptive. In summary, the available evidence is currently insufficient to determine the role of this variant in disease. Therefore, it has been classified as a Variant of Uncertain Significance.

Color Diagnostics, LLC DBA Color Health
Classification: Uncertain significance for Cardiomyopathy. Last evaluated: 2024-03-07. Review status: criteria provided, single submitter. Criteria: ACMG Guidelines, 2015. Collection method: clinical testing. Allele origin: germline.
Comment: This missense variant replaces serine with threonine at codon 567 of the PKP2 protein. Computational prediction suggests that this variant may have deleterious impact on protein structure and function (internally defined REVEL score threshold >= 0.7, PMID: 27666373). To our knowledge, functional studies have not been reported for this variant. This variant has not been reported in individuals affected with cardiovascular disorders in the literature. This variant has been identified in 3/250768 chromosomes in the general population by the Genome Aggregation Database (gnomAD). The available evidence is insufficient to determine the role of this variant in disease conclusively. Therefore, this variant is classified as a Variant of Uncertain Significance.

NM_001005242.3(PKP2):c.1567T>A (p.Ser523Thr)

Gene: PKP2 (plakophilin 2; minus strand). Cytogenetic location: 12p11.21.
Variant type: single nucleotide variant.
Coding change: c.1567T>A on transcript NM_001005242.3 (MANE Select); coding-DNA position 1567, T replaced by A.
Protein change: p.Ser523Thr; replaces serine 523 with threonine.
Molecular consequence: missense variant.
Genome position (GRCh38, 1-based): chr12:32,824,152, A>T on the plus strand (T>A on the coding strand, the complement: PKP2 is on the minus strand). VCF-style: chr12-32824152-A-T. GRCh37 (hg19) VCF-style: chr12-32977086-A-T.
Other names: c.1699T>A, p.Ser567Thr (NM_004572.4); short protein forms S523T, S567T.
Identifiers: ClinVar variation 1171233 (VCV001171233.4), dbSNP rs753678882, ClinGen allele CA030433.